The following is an entry in ClinVar:

ClinVar aggregate classification (germline): Uncertain significance (1 of 4 stars; one submission).

Submission:

GeneDx
Classification: Uncertain significance. Last evaluated: 2023-10-18. Review status: criteria provided, single submitter. Criteria: GeneDx Variant Classification Process June 2021. Collection method: clinical testing. Allele origin: germline. Affected: yes.
Comment: Not observed at significant frequency in large population cohorts (gnomAD); In silico analysis supports that this missense variant has a deleterious effect on protein structure/function; Has not been previously published as pathogenic or benign to our knowledge

NM_005219.5(DIAPH1):c.3623C>T (p.Ser1208Leu)

Gene: DIAPH1 (diaphanous related formin 1; minus strand). Cytogenetic location: 5q31.3.
Variant type: single nucleotide variant.
Coding change: c.3623C>T on transcript NM_005219.5 (MANE Select); coding-DNA position 3623, C replaced by T.
Protein change: p.Ser1208Leu; replaces serine 1208 with leucine.
Molecular consequence: missense variant.
Genome position (GRCh38, 1-based): chr5:141,524,181, G>A on the plus strand (C>T on the coding strand, the complement: DIAPH1 is on the minus strand). VCF-style: chr5-141524181-G-A. GRCh37 (hg19) VCF-style: chr5-140903748-G-A.
Other names: c.3596C>T, p.Ser1199Leu (NM_001079812.3); c.3623C>T, p.Ser1208Leu (NM_001314007.2); short protein forms S1199L, S1208L.
Identifiers: ClinVar variation 3366152 (VCV003366152.1).
Genomic context (GRCh38, chr5:141,524,181, plus strand): 5'-TGAGCTCCATGTGCTTACTTACCTTGACGGGGCCCTCTCTTCCGTCGGAATGCTGCCCCT[G>A]ACTGCAGGGCTTCTAGAAGACTGTCCATCACACCTGTCTCATCGCCCTCTGTTATAAAGA-3'
Protein context (NP_005210.3, residues 1198-1218): VMDSLLEALQ[Ser1208Leu]GAAFRRKRGP